The following is an entry in ClinVar:

NM_173630.4(RTTN):c.3400C>T (p.Pro1134Ser)

Gene: RTTN (rotatin; minus strand). Cytogenetic location: 18q22.2.
Variant type: single nucleotide variant.
Coding change: c.3400C>T on transcript NM_173630.4 (MANE Select); coding-DNA position 3400, C replaced by T.
Protein change: p.Pro1134Ser; replaces proline 1134 with serine.
Molecular consequence: missense variant.
Genome position (GRCh38, 1-based): chr18:70,121,684, G>A on the plus strand (C>T on the coding strand, the complement: RTTN is on the minus strand). VCF-style: chr18-70121684-G-A. GRCh37 (hg19) VCF-style: chr18-67788920-G-A.
Other names: c.664C>T, p.Pro222Ser (NM_001318520.2); short protein forms P1134S, P222S.
Identifiers: ClinVar variation 1965077 (VCV001965077.5), dbSNP rs2512468834, ClinGen allele CA402692125.
Genomic context (GRCh38, chr18:70,121,684, plus strand): 5'-TTAATTTATTTAAAAAATGTATGATATCTATTAGCAGTTTCTCATCTTCAGTGCAAGCAG[G>A]AAGCACCTGTAAAAACCTATAATGAAAAGACAATAATCATGGTTTCTGGCGCTTTAAAAT-3'
Protein context (NP_775901.3, residues 1124-1144): TALNRFLQVL[Pro1134Ser]ACTEDEKLLI

ClinVar aggregate classification (germline): Uncertain significance (1 of 4 stars; one submission).

Submission:

Labcorp Genetics (formerly Invitae), Labcorp
Classification: Uncertain significance. Last evaluated: 2022-08-10. Review status: criteria provided, single submitter. Criteria: Invitae Variant Classification Sherloc (09022015). Collection method: clinical testing. Allele origin: germline.
Comment: Algorithms developed to predict the effect of missense changes on protein structure and function are either unavailable or do not agree on the potential impact of this missense change (SIFT: "Deleterious"; PolyPhen-2: "Probably Damaging"; Align-GVGD: "Class C0"). This variant has not been reported in the literature in individuals affected with RTTN-related conditions. This variant is not present in population databases (gnomAD no frequency). This sequence change replaces proline, which is neutral and non-polar, with serine, which is neutral and polar, at codon 1134 of the RTTN protein (p.Pro1134Ser). In summary, the available evidence is currently insufficient to determine the role of this variant in disease. Therefore, it has been classified as a Variant of Uncertain Significance.